The following is an entry in ClinVar:

NM_014140.4(SMARCAL1):c.1808C>G (p.Pro603Arg)

Gene: SMARCAL1 (SNF2 related chromatin remodeling annealing helicase 1; plus strand). Cytogenetic location: 2q35.
Variant type: single nucleotide variant.
Coding change: c.1808C>G on transcript NM_014140.4 (MANE Select); coding-DNA position 1808, C replaced by G.
Protein change: p.Pro603Arg; replaces proline 603 with arginine.
Molecular consequence: missense variant.
Genome position (GRCh38, 1-based): chr2:216,447,115, C>G. VCF-style: chr2-216447115-C-G. GRCh37 (hg19) VCF-style: chr2-217311838-C-G.
Other names: c.1808C>G, p.Pro603Arg (NM_001127207.2); short protein forms P603R.
Identifiers: ClinVar variation 1394036 (VCV001394036.6), dbSNP rs772439671, ClinGen allele CA350501790.

ClinVar aggregate classification (germline): Uncertain significance (1 of 4 stars; one submission).

Conditions:
Schimke immuno-osseous dysplasia (SIOD). Also called: Schimke Immunoosseous Dysplasia. Identifiers: Orphanet 1830, MedGen C0877024, MONDO:0009458, OMIM 242900.

Submission:

Labcorp Genetics (formerly Invitae), Labcorp
Classification: Uncertain significance for Schimke immuno-osseous dysplasia. Last evaluated: 2021-11-19. Review status: criteria provided, single submitter. Criteria: Invitae Variant Classification Sherloc (09022015). Collection method: clinical testing. Allele origin: germline.
Comment: This variant is not present in population databases (gnomAD no frequency). Algorithms developed to predict the effect of missense changes on protein structure and function are either unavailable or do not agree on the potential impact of this missense change (SIFT: "Tolerated"; PolyPhen-2: "Probably Damaging"; Align-GVGD: "Class C0"). This variant has not been reported in the literature in individuals affected with SMARCAL1-related conditions. This sequence change replaces proline, which is neutral and non-polar, with arginine, which is basic and polar, at codon 603 of the SMARCAL1 protein (p.Pro603Arg). In summary, the available evidence is currently insufficient to determine the role of this variant in disease. Therefore, it has been classified as a Variant of Uncertain Significance.